The following is an entry in ClinVar:

ClinVar aggregate classification (germline): Conflicting classifications of pathogenicity. Review status: criteria provided, conflicting classifications (1 of 4 stars). 4 submissions from 4 submitters: Uncertain significance (3); Benign (1). Last evaluated 2026-02-17.

Conditions:
Cardiovascular phenotype. Identifiers: MedGen CN230736.
Familial hypobetalipoproteinemia 1. Also called: Hypobetalipoproteinemia, normotriglyceridemic; Acanthocytosis with hypobetalipoproteinemia; APOB-Related Familial Hypobetalipoproteinemia. Identifiers: MedGen C4551990, MONDO:0014252, OMIM 615558.
Hypercholesterolemia, autosomal dominant, type B (FHCL2). Also called: Hyperlipoproteinemia Type IIb; Familial Hypercholesterolemia Type B; APOLIPOPROTEIN B-100, FAMILIAL DEFECTIVE; APOLIPOPROTEIN B-100, FAMILIAL LIGAND-DEFECTIVE; Familial hypercholesterolemia 2; HYPERCHOLESTEROLEMIA, FAMILIAL, DUE TO LIGAND-DEFECTIVE APOLIPOPROTEIN B. Identifiers: MedGen C1704417, MONDO:0007751, OMIM 144010.

Allele frequency attached by ClinVar (database versions not stated): gnomAD exomes 0.00001 and 0.00002; ExAC 0.00004; ESP Exome Variant Server 0.00008; gnomAD 0.00009; TOPMed 0.00013; 1000 Genomes Project 30x 0.00016; 1000 Genomes Project 0.00020.
gnomAD v4.1: 25 of 1,614,116 alleles (0.0015%); highest among the groups gnomAD compares: African/African-American, 0.027%; no homozygotes.

Submissions (4):

GeneDx
Classification: Uncertain significance. Last evaluated: 2026-02-17. Review status: criteria provided, single submitter. Criteria: GeneDx Variant Classification Process June 2021. Collection method: clinical testing. Allele origin: germline.
Comment: Has not been previously published as pathogenic or benign to our knowledge; In silico analysis suggests that this missense variant does not alter protein structure/function

Labcorp Genetics (formerly Invitae), Labcorp
Classification: Benign for Familial hypobetalipoproteinemia 1; Hypercholesterolemia, autosomal dominant, type B. Last evaluated: 2025-01-06. Review status: criteria provided, single submitter. Criteria: Invitae Variant Classification Sherloc (09022015). Collection method: clinical testing. Allele origin: germline.

Ambry Genetics
Classification: Uncertain significance for Cardiovascular phenotype. Last evaluated: 2024-10-19. Review status: criteria provided, single submitter. Criteria: Ambry Variant Classification Scheme 2023. Collection method: clinical testing. Allele origin: germline.

Women's Health and Genetics/Laboratory Corporation of America, LabCorp
Classification: Uncertain significance. Last evaluated: 2023-03-06. Review status: criteria provided, single submitter. Criteria: LabCorp Variant Classification Summary - May 2015. Collection method: clinical testing. Allele origin: germline.

NM_000384.3(APOB):c.10402A>G (p.Met3468Val)

Gene: APOB (apolipoprotein B; minus strand). Cytogenetic location: 2p24.1.
Variant type: single nucleotide variant.
Coding change: c.10402A>G on transcript NM_000384.3 (MANE Select); coding-DNA position 10402, A replaced by G.
Protein change: p.Met3468Val; replaces methionine 3468 with valine.
Molecular consequence: missense variant.
Genome position (GRCh38, 1-based): chr2:21,006,466, T>C on the plus strand (A>G on the coding strand, the complement: APOB is on the minus strand). VCF-style: chr2-21006466-T-C. GRCh37 (hg19) VCF-style: chr2-21229338-T-C.
Other names: short protein forms M3468V.
Identifiers: ClinVar variation 630259 (VCV000630259.21), dbSNP rs149887185, ClinGen allele CA043435.